The following is an entry in ClinVar:

NM_020117.11(LARS1):c.779G>C (p.Gly260Ala)

Gene: LARS1 (leucyl-tRNA synthetase 1; minus strand). Cytogenetic location: 5q32.
Variant type: single nucleotide variant.
Coding change: c.779G>C on transcript NM_020117.11 (MANE Select); coding-DNA position 779, G replaced by C.
Protein change: p.Gly260Ala; replaces glycine 260 with alanine.
Molecular consequence: missense variant.
Genome position (GRCh38, 1-based): chr5:146,157,788, C>G on the plus strand (G>C on the coding strand, the complement: LARS1 is on the minus strand). VCF-style: chr5-146157788-C-G. GRCh37 (hg19) VCF-style: chr5-145537351-C-G.
Other names: c.641G>C, p.Gly214Ala (NM_001317964.2); c.617G>C, p.Gly206Ala (NM_001317965.2); c.698G>C, p.Gly233Ala (NM_016460.4); short protein forms G206A, G214A, G233A, G260A.
Identifiers: ClinVar variation 1680395 (VCV001680395.4), dbSNP rs2126535561, ClinGen allele CA361613012.

ClinVar aggregate classification (germline): Uncertain significance (1 of 4 stars; one submission).

Submission:

Labcorp Genetics (formerly Invitae), Labcorp
Classification: Uncertain significance. Last evaluated: 2025-07-20. Review status: criteria provided, single submitter. Criteria: Invitae Variant Classification Sherloc (09022015). Collection method: clinical testing. Allele origin: germline.
Comment: This sequence change replaces glycine, which is neutral and non-polar, with alanine, which is neutral and non-polar, at codon 260 of the LARS protein (p.Gly260Ala). This variant is not present in population databases (gnomAD no frequency). This variant has not been reported in the literature in individuals affected with LARS-related conditions. ClinVar contains an entry for this variant (Variation ID: 1680395). Invitae Evidence Modeling of protein sequence and biophysical properties (such as structural, functional, and spatial information, amino acid conservation, physicochemical variation, residue mobility, and thermodynamic stability) indicates that this missense variant is not expected to disrupt LARS protein function with a negative predictive value of 80%. In summary, the available evidence is currently insufficient to determine the role of this variant in disease. Therefore, it has been classified as a Variant of Uncertain Significance.